The following is an entry in ClinVar:

ClinVar aggregate classification (germline): Likely benign. Review status: criteria provided, multiple submitters, no conflicts (2 of 4 stars). 2 submissions from 2 submitters: Likely benign (2). Last evaluated 2025-08-19.

Conditions:
DYRK1A-related intellectual disability syndrome (MRD7). Also called: DYRK1A Syndrome; Intellectual developmental disorder, autosomal dominant 7. Identifiers: Orphanet 464306, MedGen C5568143, MONDO:0013578, OMIM 614104.

Allele frequency attached by ClinVar (database versions not stated): gnomAD exomes 0.00001; TOPMed 0.00001.
gnomAD v4.1: 12 of 1,612,104 alleles (0.00074%); highest among the groups gnomAD compares: Admixed American, 0.013%; no homozygotes.

Submissions (2):

Labcorp Genetics (formerly Invitae), Labcorp
Classification: Likely benign for DYRK1A-related intellectual disability syndrome. Last evaluated: 2025-08-19. Review status: criteria provided, single submitter. Criteria: Invitae Variant Classification Sherloc (09022015). Collection method: clinical testing. Allele origin: germline.

GeneDx
Classification: Likely benign. Last evaluated: 2017-03-02. Review status: criteria provided, single submitter. Criteria: GeneDx Variant Classification (06012015). Collection method: clinical testing. Allele origin: germline. Affected: yes.
Comment: This variant is considered likely benign or benign based on one or more of the following criteria: it is a conservative change, it occurs at a poorly conserved position in the protein, it is predicted to be benign by multiple in silico algorithms, and/or has population frequency not consistent with disease.

NM_001347721.2(DYRK1A):c.10+9A>G

Gene: DYRK1A (dual specificity tyrosine phosphorylation regulated kinase 1A; plus strand). Cytogenetic location: 21q22.13.
Variant type: single nucleotide variant.
Coding change: c.10+9A>G on transcript NM_001347721.2 (MANE Select); 9 bases into the intron after coding-DNA position 10, A replaced by G.
Molecular consequence: intron variant.
Genome position (GRCh38, 1-based): chr21:37,420,393, A>G. VCF-style: chr21-37420393-A-G. GRCh37 (hg19) VCF-style: chr21-38792695-A-G.
Other names: c.10+9A>G (NM_001396.5, NM_001347722.2, NM_101395.2 and 2 more transcripts); c.-77-52291A>G (NM_001347723.2).
Identifiers: ClinVar variation 507675 (VCV000507675.6), dbSNP rs1555960038, ClinGen allele CA658799428.